The following is an entry in ClinVar:

NM_014000.3(VCL):c.1648C>G (p.Gln550Glu)

Gene: VCL (vinculin; plus strand). Cytogenetic location: 10q22.2.
Variant type: single nucleotide variant.
Coding change: c.1648C>G on transcript NM_014000.3 (MANE Select); coding-DNA position 1648, C replaced by G.
Protein change: p.Gln550Glu; replaces glutamine 550 with glutamic acid.
Molecular consequence: missense variant.
Genome position (GRCh38, 1-based): chr10:74,095,760, C>G. VCF-style: chr10-74095760-C-G. GRCh37 (hg19) VCF-style: chr10-75855518-C-G.
Other names: c.1648C>G, p.Gln550Glu (NM_003373.4); short protein forms Q550E.
Identifiers: ClinVar variation 582278 (VCV000582278.16), dbSNP rs1406371942, ClinGen allele CA377274828.

ClinVar aggregate classification (germline): Uncertain significance. Review status: criteria provided, multiple submitters, no conflicts (2 of 4 stars). 4 submissions from 4 submitters: Uncertain significance (4). Last evaluated 2024-02-13.

Conditions:
Dilated cardiomyopathy 1W (CMD1W). Identifiers: Orphanet 154, MedGen C1969639, MONDO:0012667, OMIM 611407.
Cardiovascular phenotype. Identifiers: MedGen CN230736.

Allele frequency attached by ClinVar (database versions not stated): gnomAD exomes below 0.00001 and 0.00002; TOPMed 0.00001.
gnomAD v4.1: 25 of 1,614,172 alleles (0.0015%); highest among the groups gnomAD compares: Non-Finnish European, 0.002%; no homozygotes.

Submissions (4):

Labcorp Genetics (formerly Invitae), Labcorp
Classification: Uncertain significance for Dilated cardiomyopathy 1W. Last evaluated: 2024-02-13. Review status: criteria provided, single submitter. Criteria: Invitae Variant Classification Sherloc (09022015). Collection method: clinical testing. Allele origin: germline.
Comment: This sequence change replaces glutamine, which is neutral and polar, with glutamic acid, which is acidic and polar, at codon 550 of the VCL protein (p.Gln550Glu). This variant is present in population databases (no rsID available, gnomAD 0.0009%). This variant has not been reported in the literature in individuals affected with VCL-related conditions. ClinVar contains an entry for this variant (Variation ID: 582278). An algorithm developed to predict the effect of missense changes on protein structure and function (PolyPhen-2) suggests that this variant¬†is likely to be tolerated. In summary, the available evidence is currently insufficient to determine the role of this variant in disease. Therefore, it has been classified as a Variant of Uncertain Significance.

GeneDx
Classification: Uncertain significance. Last evaluated: 2024-02-09. Review status: criteria provided, single submitter. Criteria: GeneDx Variant Classification Process June 2021. Collection method: clinical testing. Allele origin: germline.
Comment: Not observed at significant frequency in large population cohorts (gnomAD); In silico analysis supports that this missense variant does not alter protein structure/function; Has not been previously published as pathogenic or benign to our knowledge

Ambry Genetics
Classification: Uncertain significance for Cardiovascular phenotype. Last evaluated: 2022-09-19. Review status: criteria provided, single submitter. Criteria: Ambry Variant Classification Scheme 2023. Collection method: clinical testing. Allele origin: germline.
Comment: The p.Q550E variant (also known as c.1648C>G), located in coding exon 12 of the VCL gene, results from a C to G substitution at nucleotide position 1648. The glutamine at codon 550 is replaced by glutamic acid, an amino acid with highly similar properties. This amino acid position is conserved. In addition, this alteration is predicted to be tolerated by in silico analysis. Since supporting evidence is limited at this time, the clinical significance of this alteration remains unclear.

Revvity Omics, Revvity
Classification: Uncertain significance. Last evaluated: 2020-02-18. Review status: criteria provided, single submitter. Criteria: ACMG Guidelines, 2015. Collection method: clinical testing. Allele origin: germline.